The following is an entry in ClinVar:

ClinVar aggregate classification (germline): Likely benign. Review status: criteria provided, multiple submitters, no conflicts (2 of 4 stars). 3 submissions from 3 submitters: Likely benign (3). Last evaluated 2025-02-12.

Allele frequency attached by ClinVar (database versions not stated): gnomAD 0.00001; gnomAD exomes 0.00002; TOPMed 0.00003.
gnomAD v4.1: 25 of 1,614,050 alleles (0.0015%); highest among the groups gnomAD compares: African/African-American, 0.0067%; no homozygotes.

Submissions (3):

Labcorp Genetics (formerly Invitae), Labcorp
Classification: Likely benign. Last evaluated: 2025-02-12. Review status: criteria provided, single submitter. Criteria: Invitae Variant Classification Sherloc (09022015). Collection method: clinical testing. Allele origin: germline.

Blueprint Genetics
Classification: Likely benign. Last evaluated: 2024-08-08. Review status: criteria provided, single submitter. Criteria: ACMG Guidelines, 2015. Collection method: clinical testing. Allele origin: germline.

CeGaT Center for Human Genetics Tuebingen
Classification: Likely benign. Last evaluated: 2024-08-01. Review status: criteria provided, single submitter. Criteria: CeGaT Center For Human Genetics Tuebingen Variant Classification Criteria Version 2. Collection method: clinical testing. Allele origin: germline. Affected: yes. Observed: 1 variant allele.
Comment: TRRAP: BP4, BP7

NM_001375524.1(TRRAP):c.10119C>T (p.Ser3373=)

Gene: TRRAP (transformation/transcription domain associated protein; plus strand). Cytogenetic location: 7q22.1.
Variant type: single nucleotide variant.
Coding change: c.10119C>T on transcript NM_001375524.1 (MANE Select); coding-DNA position 10119, C replaced by T.
Protein change: p.Ser3373=; no amino-acid change (serine 3373 retained).
Molecular consequence: synonymous variant.
Genome position (GRCh38, 1-based): chr7:98,994,658, C>T. VCF-style: chr7-98994658-C-T. GRCh37 (hg19) VCF-style: chr7-98592281-C-T.
Other names: c.10077C>T, p.Ser3359= (NM_001244580.2); c.9990C>T, p.Ser3330= (NM_003496.4).
Identifiers: ClinVar variation 2181472 (VCV002181472.21), dbSNP rs1355547491, ClinGen allele CA456872147.